The following is an entry in ClinVar:

ClinVar aggregate classification (germline): Uncertain significance (1 of 4 stars; one submission).

Conditions:
Renal cell carcinoma. Identifiers: Orphanet 217071, MedGen C0007134, MeSH D002292, MONDO:0005086, HP:0005584.

Submission:

Labcorp Genetics (formerly Invitae), Labcorp
Classification: Uncertain significance for Renal cell carcinoma. Last evaluated: 2023-12-18. Review status: criteria provided, single submitter. Criteria: Invitae Variant Classification Sherloc (09022015). Collection method: clinical testing. Allele origin: germline.
Comment: This sequence change creates a premature translational stop signal (p.Leu1291Serfs*4) in the MET gene. It is expected to result in an absent or disrupted protein product. However, the current clinical and genetic evidence is not sufficient to establish whether loss-of-function variants in MET cause disease. This variant is not present in population databases (gnomAD no frequency). This variant has not been reported in the literature in individuals affected with MET-related conditions. In summary, the available evidence is currently insufficient to determine the role of this variant in disease. Therefore, it has been classified as a Variant of Uncertain Significance.

NM_000245.4(MET):c.3817del (p.Leu1273fs)

Gene: MET (MET proto-oncogene, receptor tyrosine kinase; plus strand). Cytogenetic location: 7q31.2.
Variant type: Deletion.
Coding change: c.3817del on transcript NM_000245.4 (MANE Select); coding-DNA position 3817, one base deleted (C; older notation c.3817delC).
Protein change: p.Leu1273fs; shifts the reading frame from leucine 1273.
Molecular consequence: frameshift variant.
Genome position (GRCh38, 1-based): chr7:116,795,673, C deleted; the last of 2 consecutive C bases (chr7:116,795,672-116,795,673); deleting either gives the same sequence. VCF-style (leftmost placement, unchanged base first): chr7-116795671-TC-T. GRCh37 (hg19) VCF-style: chr7-116435725-TC-T.
Other names: c.3871del, p.Leu1291fs (NM_001127500.3); c.2527del, p.Leu843fs (NM_001324402.2); short protein forms L1291fs, L1273fs, L843fs.
Identifiers: ClinVar variation 2728385 (VCV002728385.3), dbSNP rs2485871577, ClinGen allele CA2697557560.
Genomic context (GRCh38, chr7:116,795,671, plus strand): 5'-GGTCACATCTCTCACCTCATCTGTCCTGTTTCTTGTTTTACTAGTGGTCCTTTGGCGTGC[TC>T]CTCTGGGAGCTGATGACAAGAGGAGCCCCACCTTATCCTGACGTAAACACCTTTGATATA-3'